The following is an entry in ClinVar:

ClinVar aggregate classification (germline): Uncertain significance (1 of 4 stars; one submission).

Submission:

GeneDx
Classification: Uncertain significance. Last evaluated: 2022-11-22. Review status: criteria provided, single submitter. Criteria: GeneDx Variant Classification Process June 2021. Collection method: clinical testing. Allele origin: germline. Affected: yes.
Comment: Not observed at significant frequency in large population cohorts (gnomAD); In silico analysis supports that this variant does not alter splicing; Has not been previously published as pathogenic or benign to our knowledge

NM_000044.6(AR):c.1769-18_1769-17del

Gene: AR (androgen receptor; plus strand). Cytogenetic location: Xq12.
Variant type: Deletion.
Coding change: c.1769-18_1769-17del on transcript NM_000044.6 (MANE Select); 18 bases into the intron before coding-DNA position 1769 through 17 bases into the intron before coding-DNA position 1769, 2 bases deleted (TT; older notation c.1769-18_1769-17delTT).
Molecular consequence: intron variant. On other transcripts: frameshift variant (1).
Genome position (GRCh38, 1-based): chrX:67,685,992-67,685,993, TT deleted. VCF-style (leftmost placement, unchanged base first): chrX-67685991-CTT-C. GRCh37 (hg19) VCF-style: chrX-66905833-CTT-C.
Other names: c.1668_1669del, p.Cys557fs (NM_001348064.1); c.173-18_173-17del (NM_001011645.3); c.1769-18_1769-17del (NM_001348061.1, NM_001348063.1); short protein forms C557fs.
Identifiers: ClinVar variation 2502619 (VCV002502619.1), dbSNP rs2519800527, ClinGen allele CA2580612337.